The following is an entry in ClinVar:

ClinVar aggregate classification (germline): Benign (0 of 4 stars; one submission).

Conditions:
ZNF292-related disorder. Also called: ZNF292-related condition.

Allele frequency attached by ClinVar (database versions not stated): ExAC 0.07853; 1000 Genomes Project 30x 0.08276; ESP Exome Variant Server 0.08325; gnomAD 0.08371; TOPMed 0.08664; gnomAD exomes 0.04118; 1000 Genomes Project 0.07788.
gnomAD v4.1: 71,823 of 1,581,572 alleles (4.5%); highest among the groups gnomAD compares: African/African-American, 20%; 2,742 homozygotes.

Submission:

PreventionGenetics, part of Exact Sciences
Classification: Benign for ZNF292-related condition. Last evaluated: 2019-10-21. Review status: no assertion criteria provided. Collection method: clinical testing. Allele origin: germline.
Comment: This variant is classified as benign based on ACMG/AMP sequence variant interpretation guidelines (Richards et al. 2015 PMID: 25741868, with internal and published modifications).

NM_015021.3(ZNF292):c.5994G>A (p.Pro1998=)

Gene: ZNF292 (zinc finger protein 292; plus strand). Cytogenetic location: 6q14.3.
Variant type: single nucleotide variant.
Coding change: c.5994G>A on transcript NM_015021.3 (MANE Select); coding-DNA position 5994, G replaced by A.
Protein change: p.Pro1998=; no amino-acid change (proline 1998 retained).
Molecular consequence: synonymous variant.
Genome position (GRCh38, 1-based): chr6:87,259,623, G>A. VCF-style: chr6-87259623-G-A. GRCh37 (hg19) VCF-style: chr6-87969341-G-A.
Other names: c.5574G>A, p.Pro1858= (NM_001351444.2).
Identifiers: ClinVar variation 3060625 (VCV003060625.2), dbSNP rs16878809, ClinGen allele CA3914549.